The following is an entry in ClinVar:

NM_058004.4(PI4KA):c.2818G>A (p.Ala940Thr)

Gene: PI4KA (phosphatidylinositol 4-kinase alpha; minus strand). Cytogenetic location: 22q11.21.
Variant type: single nucleotide variant.
Coding change: c.2818G>A on transcript NM_058004.4 (MANE Select); coding-DNA position 2818, G replaced by A.
Protein change: p.Ala940Thr; replaces alanine 940 with threonine.
Molecular consequence: missense variant.
Genome position (GRCh38, 1-based): chr22:20,753,154, C>T on the plus strand (G>A on the coding strand, the complement: PI4KA is on the minus strand). VCF-style: chr22-20753154-C-T. GRCh37 (hg19) VCF-style: chr22-21107442-C-T.
Other names: c.2818G>A, p.Ala940Thr (NM_001362862.2); c.2752G>A, p.Ala918Thr (NM_001362863.2); short protein forms A918T, A940T.
Identifiers: ClinVar variation 3367920 (VCV003367920.1).

ClinVar aggregate classification (germline): Uncertain significance (1 of 4 stars; one submission).

gnomAD v4.1: 155 of 1,613,190 alleles (0.0096%); highest among the groups gnomAD compares: Non-Finnish European, 0.011%; no homozygotes.

Submission:

GeneDx
Classification: Uncertain significance. Last evaluated: 2024-01-27. Review status: criteria provided, single submitter. Criteria: GeneDx Variant Classification Process June 2021. Collection method: clinical testing. Allele origin: germline. Affected: yes.
Comment: In silico analysis supports that this missense variant has a deleterious effect on protein structure/function; Has not been previously published as pathogenic or benign to our knowledge